The following is an entry in ClinVar:

NM_014425.5(INVS):c.2049A>G (p.Thr683=)

Gene: INVS (inversin; plus strand). Cytogenetic location: 9q31.1.
Variant type: single nucleotide variant.
Coding change: c.2049A>G on transcript NM_014425.5 (MANE Select); coding-DNA position 2049, A replaced by G.
Protein change: p.Thr683=; no amino-acid change (threonine 683 retained).
Molecular consequence: synonymous variant. On other transcripts: non-coding transcript variant (1).
Genome position (GRCh38, 1-based): chr9:100,284,584, A>G. VCF-style: chr9-100284584-A-G. GRCh37 (hg19) VCF-style: chr9-103046866-A-G.
Other names: c.1761A>G, p.Thr587= (NM_001318381.2); c.1071A>G, p.Thr357= (NM_001318382.2).
Identifiers: ClinVar variation 3029597 (VCV003029597.2), dbSNP rs780793604, ClinGen allele CA5158537.

ClinVar aggregate classification (germline): Likely benign (0 of 4 stars; one submission).

Conditions:
INVS-related disorder. Also called: INVS-related condition.

Allele frequency attached by ClinVar (database versions not stated): gnomAD exomes below 0.00001; TOPMed below 0.00001; ExAC 0.00001; gnomAD 0.00001.
gnomAD v4.1: 2 of 1,613,564 alleles (0.00012%); highest among the groups gnomAD compares: South Asian, 0.0011%; no homozygotes.

Submission:

PreventionGenetics, part of Exact Sciences
Classification: Likely benign for INVS-related condition. Last evaluated: 2022-01-07. Review status: no assertion criteria provided. Collection method: clinical testing. Allele origin: germline.
Comment: This variant is classified as likely benign based on ACMG/AMP sequence variant interpretation guidelines (Richards et al. 2015 PMID: 25741868, with internal and published modifications).